The following is an entry in ClinVar:

NM_001039.4(SCNN1G):c.1939G>T (p.Asp647Tyr)

Gene: SCNN1G (sodium channel epithelial 1 subunit gamma; plus strand). Cytogenetic location: 16p12.2.
Variant type: single nucleotide variant.
Coding change: c.1939G>T on transcript NM_001039.4 (MANE Select); coding-DNA position 1939, G replaced by T.
Protein change: p.Asp647Tyr; replaces aspartic acid 647 with tyrosine.
Molecular consequence: missense variant.
Genome position (GRCh38, 1-based): chr16:23,215,458, G>T. VCF-style: chr16-23215458-G-T. GRCh37 (hg19) VCF-style: chr16-23226779-G-T.
Other names: short protein forms D647Y.
Identifiers: ClinVar variation 1256591 (VCV001256591.6), dbSNP rs72647543, ClinGen allele CA7960007.

ClinVar aggregate classification (germline): Conflicting classifications of pathogenicity. Review status: criteria provided, conflicting classifications (1 of 4 stars). 4 submissions from 4 submitters: Uncertain significance (2); Likely benign (2). Last evaluated 2025-11-25.

Conditions:
Liddle syndrome 2. Identifiers: MedGen C4748251, MONDO:0020854, OMIM 618114.

Allele frequency attached by ClinVar (database versions not stated): 1000 Genomes Project 30x 0.00016; 1000 Genomes Project 0.00020; gnomAD 0.00030; TOPMed 0.00032; gnomAD exomes 0.00039 and 0.00042; ExAC 0.00041; ESP Exome Variant Server 0.00054.
gnomAD v4.1: 652 of 1,610,126 alleles (0.04%); highest among the groups gnomAD compares: South Asian, 0.18%; 2 homozygotes.

Submissions (4):

Labcorp Genetics (formerly Invitae), Labcorp
Classification: Likely benign. Last evaluated: 2025-11-25. Review status: criteria provided, single submitter. Criteria: Invitae Variant Classification Sherloc (09022015). Collection method: clinical testing. Allele origin: germline.

Blueprint Genetics
Classification: Likely benign. Last evaluated: 2024-10-31. Review status: criteria provided, single submitter. Criteria: ACMG Guidelines, 2015. Collection method: clinical testing. Allele origin: germline.

Neuberg Centre For Genomic Medicine, NCGM
Classification: Uncertain significance for Liddle syndrome 2. Last evaluated: 2023-06-22. Review status: criteria provided, single submitter. Criteria: ACMG Guidelines, 2015. Collection method: clinical testing. Allele origin: germline. Inheritance: Autosomal dominant inheritance. Affected: yes.
Comment: The observed missense variant c.1939G>Tp.Asp647Tyr in SCNN1G gene has been mentioned previously in a study in an individual with hypertension. However, functional evidence is not conclusive of disease causing Ray EC, et al., 2016. The p.Asp647Tyr variant is reported with 0.04% allele frequency in gnomAD Exomes. It has been submitted to ClinVar as Uncertain Significance. The amino acid Asp at position 647 is changed to a Tyr changing protein sequence and it might alter its composition and physico-chemical properties. Multiple lines of computational evidence Polyphen-Tolerated, SIFT-Benign and Mutation Taster-polymorphism automatic predict no damaging effect on protein structure and function for this variant. The reference amino acid p.Asp647Tyr in SCNN1G is predicted as conserved by GERP++ and PhyloP across 100 vertebrates. Additional functional and literature evidence will be requird to prove the pathogenicity, also this variant has higher frequency in population database. For these reasons, this variant has been classified as Uncertain Significance.

Athena Diagnostics
Classification: Uncertain significance. Last evaluated: 2021-02-25. Review status: criteria provided, single submitter. Criteria: Athena Diagnostics criteria. Collection method: clinical testing. Allele origin: unknown.

Literature cited by the submitters: PubMed 27582106 (cited by Athena Diagnostics).